The following is an entry in ClinVar:

ClinVar aggregate classification (germline): Uncertain significance (1 of 4 stars; one submission).

Submission:

Ambry Genetics
Classification: Uncertain significance. Last evaluated: 2025-02-02. Review status: criteria provided, single submitter. Criteria: Ambry Variant Classification Scheme 2023. Collection method: clinical testing. Allele origin: germline.
Comment: The p.M453I variant (also known as c.1359G>C), located in coding exon 1 of the MLH3 gene, results from a G to C substitution at nucleotide position 1359. The methionine at codon 453 is replaced by isoleucine, an amino acid with highly similar properties. This amino acid position is conserved. In addition, this alteration is predicted to be tolerated by in silico analysis. Since supporting evidence is limited at this time, the clinical significance of this alteration remains unclear.

NM_001040108.2(MLH3):c.1359G>C (p.Met453Ile)

Gene: MLH3 (mutL homolog 3; minus strand). Cytogenetic location: 14q24.3.
Variant type: single nucleotide variant.
Coding change: c.1359G>C on transcript NM_001040108.2 (MANE Select); coding-DNA position 1359, G replaced by C.
Protein change: p.Met453Ile; replaces methionine 453 with isoleucine.
Molecular consequence: missense variant.
Genome position (GRCh38, 1-based): chr14:75,048,297, C>G on the plus strand (G>C on the coding strand, the complement: MLH3 is on the minus strand). VCF-style: chr14-75048297-C-G. GRCh37 (hg19) VCF-style: chr14-75515000-C-G.
Other names: c.1359G>C, p.Met453Ile (NM_014381.3); short protein forms M453I.
Identifiers: ClinVar variation 1770769 (VCV001770769.3), dbSNP rs1178044858, ClinGen allele CA390446239.